The following is an entry in ClinVar:

NM_000257.4(MYH7):c.1200C>T (p.Cys400=)

Gene: MYH7 (myosin heavy chain 7; minus strand). Cytogenetic location: 14q11.2.
Variant type: single nucleotide variant.
Coding change: c.1200C>T on transcript NM_000257.4 (MANE Select); coding-DNA position 1200, C replaced by T.
Protein change: p.Cys400=; no amino-acid change (cysteine 400 retained).
Molecular consequence: synonymous variant.
Genome position (GRCh38, 1-based): chr14:23,429,286, G>A on the plus strand (C>T on the coding strand, the complement: MYH7 is on the minus strand). VCF-style: chr14-23429286-G-A. GRCh37 (hg19) VCF-style: chr14-23898495-G-A.
Identifiers: ClinVar variation 915672 (VCV000915672.17), dbSNP rs374806617, ClinGen allele CA027820.
Genomic context (GRCh38, chr14:23,429,286, plus strand): 5'-CACCTGCTGGACATTCTGCCCCTTGGTGACGTACTCATTGCCCACTTTCACCCGAGGGTG[G>A]CACAGCCCCTTGAGCAGGTCGGCTGAGTTCAGCCCCATGAGGTAGGCAGACTTGTCAGCC-3'
Protein context (NP_000248.2, residues 390-410): LNSADLLKGL[Cys400=]HPRVKVGNEY

ClinVar aggregate classification (germline): Likely benign. Review status: criteria provided, multiple submitters, no conflicts (2 of 4 stars). 5 submissions from 5 submitters: Likely benign (5). Last evaluated 2026-01-27.

Conditions:
Hypertrophic cardiomyopathy. Also called: HYPERTROPHIC MYOCARDIOPATHY. Identifiers: Orphanet 217569, MedGen C0007194, MeSH D002312, MONDO:0005045, HP:0001639.
Cardiovascular phenotype. Identifiers: MedGen CN230736.
Cardiomyopathy (CMYO). Also called: Cardiomyopathies. Identifiers: Orphanet 167848, MedGen C0878544, MONDO:0004994, HP:0001638. Inheritance: Various modes of inheritance.

Allele frequency attached by ClinVar (database versions not stated): gnomAD exomes 0.00001; ExAC 0.00002; gnomAD 0.00006; ESP Exome Variant Server 0.00008; TOPMed 0.00008.
gnomAD v4.1: 20 of 1,614,064 alleles (0.0012%); highest among the groups gnomAD compares: African/African-American, 0.021%; no homozygotes.

Submissions (5):

Labcorp Genetics (formerly Invitae), Labcorp
Classification: Likely benign for Hypertrophic cardiomyopathy. Last evaluated: 2026-01-27. Review status: criteria provided, single submitter. Criteria: Invitae Variant Classification Sherloc (09022015). Collection method: clinical testing. Allele origin: germline.

All of Us Research Program, National Institutes of Health
Classification: Likely benign for Cardiomyopathy. Last evaluated: 2023-09-04. Review status: criteria provided, single submitter. Criteria: ACMG Guidelines, 2015. Collection method: clinical testing. Allele origin: germline. Inheritance: Autosomal dominant inheritance. Observed: 4 variant alleles, 4 heterozygotes.
Comment: This study involves interpretation of variants in research participants for the purpose of population health screening. Participant phenotype was not available at the time of variant classification. Additional details can be found in publication PMID: 35346344, PMCID: PMC8962531

Color Diagnostics, LLC DBA Color Health
Classification: Likely benign for Cardiomyopathy. Last evaluated: 2020-11-16. Review status: criteria provided, single submitter. Criteria: ACMG Guidelines, 2015. Collection method: clinical testing. Allele origin: germline.

Ambry Genetics
Classification: Likely benign for Cardiovascular phenotype. Last evaluated: 2019-06-05. Review status: criteria provided, single submitter. Criteria: Ambry Variant Classification Scheme 2023. Collection method: clinical testing. Allele origin: germline.

CHEO Genetics Diagnostic Laboratory, Children's Hospital of Eastern Ontario
Classification: Likely benign for Cardiomyopathy. Last evaluated: 2017-11-02. Review status: criteria provided, single submitter. Criteria: ACMG Guidelines, 2015. Collection method: clinical testing. Allele origin: germline.